The following is an entry in ClinVar:

ClinVar aggregate classification (germline): Pathogenic/Likely pathogenic. Review status: criteria provided, multiple submitters, no conflicts (2 of 4 stars). 3 submissions from 3 submitters: Pathogenic (2); Likely pathogenic (1). Last evaluated 2020-10-23.

Conditions:
Developmental and epileptic encephalopathy, 85, with or without midline brain defects. Also called: EPILEPTIC ENCEPHALOPATHY, EARLY INFANTILE, 85, WITH OR WITHOUT MIDLINE BRAIN DEFECTS. Identifiers: MedGen C5393312, MONDO:0026771, OMIM 301044.

Allele frequency attached by ClinVar (database versions not stated): gnomAD exomes below 0.00001.
gnomAD v4.1: 1 of 1,211,167 alleles (0.000083%); highest among the groups gnomAD compares: Non-Finnish European, 0.00011%; no homozygotes.

Submissions (3):

Institute of Medical Genetics and Applied Genomics, University Hospital Tübingen
Classification: Pathogenic. Last evaluated: 2020-10-23. Review status: criteria provided, single submitter. Criteria: ACMG Guidelines, 2015. Collection method: clinical testing. Allele origin: germline. Inheritance: X-linked inheritance. Affected: yes.

GeneDx
Classification: Pathogenic. Last evaluated: 2016-07-21. Review status: criteria provided, single submitter. Criteria: GeneDx Variant Classification (06012015). Collection method: clinical testing. Allele origin: germline. Affected: yes.
Comment: The R398X pathogenic variant in the SMC1A gene has not been reported previously as a pathogenic variant nor as a benign variant, to our knowledge. It is predicted to cause loss of normal protein function either through protein truncation or nonsense-mediated mRNA decay. The R398X variant was not observed in approximately 6500 individuals of European and African American ancestry in the NHLBI Exome Sequencing Project, indicating it is not a common benign variant in these populations. We interpret R398X as a pathogenic variant.

Solve-RD Consortium
Classification: Likely pathogenic for Developmental and epileptic encephalopathy, 85, with or without midline brain defects. Review status: criteria provided, single submitter. Criteria: ACMG Guidelines, 2015. Collection method: provider interpretation. Allele origin: germline. Inheritance: Autosomal dominant inheritance. Affected: yes. Study: Solve-RD DIFT-EpiCARE reanalysis.
Comment: PVS1, PM2

Variant identified during reanalysis of unsolved cases by the Solve-RD project. The Solve-RD project has received funding from the European Union’s Horizon 2020 research and innovation programme under grant agreement No 779257.

NM_006306.4(SMC1A):c.1192C>T (p.Arg398Ter)

Gene: SMC1A (structural maintenance of chromosomes 1A; minus strand). Cytogenetic location: Xp11.22.
Variant type: single nucleotide variant.
Coding change: c.1192C>T on transcript NM_006306.4 (MANE Select); coding-DNA position 1192, C replaced by T.
Protein change: p.Arg398Ter; replaces arginine 398 with a stop codon.
Molecular consequence: nonsense.
Genome position (GRCh38, 1-based): chrX:53,411,823, G>A on the plus strand (C>T on the coding strand, the complement: SMC1A is on the minus strand). VCF-style: chrX-53411823-G-A. GRCh37 (hg19) VCF-style: chrX-53438773-G-A.
Other names: c.1126C>T, p.Arg376Ter (NM_001281463.1); short protein forms R376*, R398*.
Identifiers: ClinVar variation 280754 (VCV000280754.5), dbSNP rs886041902, ClinGen allele CA10603610.